The following is an entry in ClinVar:

ClinVar aggregate classification (germline): Likely pathogenic (1 of 4 stars; one submission).

Conditions:
Jeune thoracic dystrophy. Also called: Jeune syndrome; Infantile thoracic dystrophy; Thoracic pelvic phalangeal dystrophy; Jeune's syndrome; Chondroectodermal dysplasia-like syndrome; Short-rib thoracic dysplasia. Identifiers: Orphanet 474, MedGen C0265275, MONDO:0018770.

Submission:

Labcorp Genetics (formerly Invitae), Labcorp
Classification: Likely pathogenic for Jeune thoracic dystrophy. Last evaluated: 2025-12-30. Review status: criteria provided, single submitter. Criteria: Invitae Variant Classification Sherloc (09022015). Collection method: clinical testing. Allele origin: germline.
Comment: This sequence change affects an acceptor splice site in intron 71 of the DYNC2H1 gene. It is expected to disrupt RNA splicing. Variants that disrupt the donor or acceptor splice site typically lead to a loss of protein function (PMID: 16199547), and loss-of-function variants in DYNC2H1 are known to be pathogenic (PMID: 23339108, 32753734, 33755199). This variant is not present in population databases (gnomAD no frequency). This variant has not been reported in the literature in individuals affected with DYNC2H1-related conditions. Algorithms developed to predict the effect of sequence changes on RNA splicing suggest that this variant may disrupt the consensus splice site. In summary, the currently available evidence indicates that the variant is pathogenic, but additional data are needed to prove that conclusively. Therefore, this variant has been classified as Likely Pathogenic.

Literature cited by the submitters: PubMed 16199547; PubMed 23339108; PubMed 32753734; PubMed 33755199.

NM_001377.3(DYNC2H1):c.10696-2A>C

Gene: DYNC2H1 (dynein cytoplasmic 2 heavy chain 1; plus strand). Cytogenetic location: 11q22.3.
Variant type: single nucleotide variant.
Coding change: c.10696-2A>C on transcript NM_001377.3 (MANE Select); the canonical splice acceptor site of the intron before coding-DNA position 10696, A replaced by C.
Molecular consequence: splice acceptor variant.
Genome position (GRCh38, 1-based): chr11:103,280,346, A>C. VCF-style: chr11-103280346-A-C. GRCh37 (hg19) VCF-style: chr11-103151075-A-C.
Other names: c.10717-2A>C (NM_001080463.2).
Identifiers: ClinVar variation 4768115 (VCV004768115.1).